The following is an entry in ClinVar:

ClinVar aggregate classification (germline): Uncertain significance. Review status: criteria provided, multiple submitters, no conflicts (2 of 4 stars). 2 submissions from 2 submitters: Uncertain significance (2). Last evaluated 2025-04-03.

Conditions:
Inborn genetic diseases. Identifiers: MedGen C0950123, MeSH D030342.
Congenital sideroblastic anemia-B-cell immunodeficiency-periodic fever-developmental delay syndrome. Also called: Sideroblastic anemia with B-cell immunodeficiency, periodic fevers, and developmental delay. Identifiers: Orphanet 369861, MedGen C4015172, MONDO:0014487, OMIM 616084.

gnomAD v4.1: 4 of 1,591,262 alleles (0.00025%); highest among the groups gnomAD compares: African/African-American, 0.0014%; no homozygotes.

Submissions (2):

Ambry Genetics
Classification: Uncertain significance for Inborn genetic diseases. Last evaluated: 2025-04-03. Review status: criteria provided, single submitter. Criteria: Ambry Variant Classification Scheme 2023. Collection method: clinical testing. Allele origin: germline.

Labcorp Genetics (formerly Invitae), Labcorp
Classification: Uncertain significance for Congenital sideroblastic anemia-B-cell immunodeficiency-periodic fever-developmental delay syndrome. Last evaluated: 2022-05-18. Review status: criteria provided, single submitter. Criteria: Invitae Variant Classification Sherloc (09022015). Collection method: clinical testing. Allele origin: germline.
Comment: In summary, the available evidence is currently insufficient to determine the role of this variant in disease. Therefore, it has been classified as a Variant of Uncertain Significance. Algorithms developed to predict the effect of missense changes on protein structure and function (SIFT, PolyPhen-2, Align-GVGD) all suggest that this variant is likely to be tolerated. This variant has not been reported in the literature in individuals affected with TRNT1-related conditions. This variant is not present in population databases (gnomAD no frequency). This sequence change replaces glutamic acid, which is acidic and polar, with aspartic acid, which is acidic and polar, at codon 55 of the TRNT1 protein (p.Glu55Asp).

NM_182916.3(TRNT1):c.165G>T (p.Glu55Asp)

Gene: TRNT1 (tRNA nucleotidyl transferase 1; plus strand). Cytogenetic location: 3p26.2.
Variant type: single nucleotide variant.
Coding change: c.165G>T on transcript NM_182916.3 (MANE Select); coding-DNA position 165, G replaced by T.
Protein change: p.Glu55Asp; replaces glutamic acid 55 with aspartic acid.
Molecular consequence: missense variant. On other transcripts: non-coding transcript variant (8).
Genome position (GRCh38, 1-based): chr3:3,137,276, G>T. VCF-style: chr3-3137276-G-T. GRCh37 (hg19) VCF-style: chr3-3178960-G-T.
Other names: c.165G>T, p.Glu55Asp (NM_001302946.2, NM_001367321.1, NM_001367322.1 and 1 more transcripts); c.165G>T (NM_182916.2); short protein forms E55D.
Identifiers: ClinVar variation 1990973 (VCV001990973.5), dbSNP rs1705384658, ClinGen allele CA351442949.